The following is an entry in ClinVar:

NM_001009999.3(KDM1A):c.2320C>T (p.Arg774Cys)

Gene: KDM1A (lysine demethylase 1A; plus strand). Cytogenetic location: 1p36.12.
Variant type: single nucleotide variant.
Coding change: c.2320C>T on transcript NM_001009999.3 (MANE Select); coding-DNA position 2320, C replaced by T.
Protein change: p.Arg774Cys; replaces arginine 774 with cysteine.
Molecular consequence: missense variant.
Genome position (GRCh38, 1-based): chr1:23,082,241, C>T. VCF-style: chr1-23082241-C-T. GRCh37 (hg19) VCF-style: chr1-23408734-C-T.
Other names: c.2266C>T, p.Arg756Cys (NM_001363654.2); c.2326C>T, p.Arg776Cys (NM_001410762.1); c.2248C>T, p.Arg750Cys (NM_001410763.1, NM_015013.4); short protein forms R750C, R776C, R756C, R774C.
Identifiers: ClinVar variation 3863365 (VCV003863365.1).
Genomic context (GRCh38, chr1:23,082,241, plus strand): 5'-GTGTCTCGTAATGACTTTTGCTCCTGGTTTTTCTTTTAGCCCAAAGAAACTGTGGTGTCT[C>T]GTTGGCGTGCTGATCCCTGGGCTCGGGGCTCTTATTCCTATGTTGCTGCAGGATCATCTG-3'
Protein context (NP_001009999.1, residues 764-784): VPQPKETVVS[Arg774Cys]WRADPWARGS

ClinVar aggregate classification (germline): Uncertain significance (1 of 4 stars; one submission).

Conditions:
Inborn genetic diseases. Identifiers: MedGen C0950123, MeSH D030342.

gnomAD v4.1: 2 of 1,613,580 alleles (0.00012%); highest among the groups gnomAD compares: Non-Finnish European, 0.00017%; no homozygotes.

Submission:

Ambry Genetics
Classification: Uncertain significance for Inborn genetic diseases. Last evaluated: 2025-03-05. Review status: criteria provided, single submitter. Criteria: Ambry Variant Classification Scheme 2023. Collection method: clinical testing. Allele origin: germline.
Comment: The p.R774C variant (also known as c.2320C>T), located in coding exon 20 of the KDM1A gene, results from a C to T substitution at nucleotide position 2320. The arginine at codon 774 is replaced by cysteine, an amino acid with highly dissimilar properties. This amino acid position is conserved. In addition, this alteration is predicted to be deleterious by in silico analysis. Based on the available evidence, the clinical significance of this variant remains unclear.